The following is an entry in ClinVar:

ClinVar aggregate classification (germline): Conflicting classifications of pathogenicity. Review status: criteria provided, conflicting classifications (1 of 4 stars). 2 submissions from 2 submitters: Uncertain significance (1); Likely benign (1). Last evaluated 2023-02-01.

Conditions:
Cardiomyopathy (CMYO). Also called: Cardiomyopathies. Identifiers: Orphanet 167848, MedGen C0878544, MONDO:0004994, HP:0001638. Inheritance: Various modes of inheritance.

Allele frequency attached by ClinVar (database versions not stated): ExAC 0.00001; TOPMed 0.00001; gnomAD 0.00002; gnomAD exomes 0.00002; ESP Exome Variant Server 0.00008.
gnomAD v4.1: 34 of 1,613,350 alleles (0.0021%); highest among the groups gnomAD compares: Non-Finnish European, 0.0027%; no homozygotes.

Submissions (2):

CeGaT Center for Human Genetics Tuebingen
Classification: Uncertain significance. Last evaluated: 2023-02-01. Review status: criteria provided, single submitter. Criteria: CeGaT Center For Human Genetics Tuebingen Variant Classification Criteria Version 2. Collection method: clinical testing. Allele origin: germline. Affected: yes. Observed: 1 variant allele.
Comment: TTN: PM2, BP4

CHEO Genetics Diagnostic Laboratory, Children's Hospital of Eastern Ontario
Classification: Likely benign for Cardiomyopathy. Last evaluated: 2022-10-24. Review status: criteria provided, single submitter. Criteria: ACMG Guidelines, 2015. Collection method: clinical testing. Allele origin: germline.

NM_001267550.2(TTN):c.62465C>G (p.Thr20822Ser)

Genes: TTN (titin; minus strand), TTN-AS1 (TTN antisense RNA 1; plus strand). Cytogenetic location: 2q31.2.
Variant type: single nucleotide variant.
Coding change: c.62465C>G on transcript NM_001267550.2 (MANE Select); coding-DNA position 62465, C replaced by G.
Protein change: p.Thr20822Ser; replaces threonine 20822 with serine.
Molecular consequence: missense variant.
Genome position (GRCh38, 1-based): chr2:178,589,260, G>C on the plus strand (C>G on the coding strand, the complement: TTN is on the minus strand). VCF-style: chr2-178589260-G-C. GRCh37 (hg19) VCF-style: chr2-179453987-G-C.
Other names: c.57542C>G, p.Thr19181Ser (NM_001256850.1); c.35270C>G, p.Thr11757Ser (NM_003319.4); c.54761C>G, p.Thr18254Ser (NM_133378.4); c.35645C>G, p.Thr11882Ser (NM_133432.3); c.35846C>G, p.Thr11949Ser (NM_133437.4); short protein forms T11757S, T11882S, T11949S, T18254S, T19181S, T20822S.
Identifiers: ClinVar variation 2498851 (VCV002498851.29), dbSNP rs376352599, ClinGen allele CA1992224.